The following is an entry in ClinVar:

ClinVar aggregate classification (germline): Likely benign. Review status: criteria provided, multiple submitters, no conflicts (2 of 4 stars). 2 submissions from 2 submitters: Likely benign (2). Last evaluated 2026-06-18.

Conditions:
Wilson disease (WND). Also called: Wilson's disease. Identifiers: Orphanet 905, MedGen C0019202, MONDO:0010200, OMIM 277900. Disease mechanism: loss of function.
ATP7B-related disorder. Also called: ATP7B-related condition.

gnomAD v4.1: 1 of 152,366 alleles (0.00066%); highest among the groups gnomAD compares: East Asian, 0.019%; no homozygotes.

Submissions (2):

PreventionGenetics, part of Exact Sciences
Classification: Likely benign for ATP7B-related condition. Last evaluated: 2026-06-18. Review status: criteria provided, single submitter. Criteria: ACMG Guidelines, 2015. Collection method: clinical testing. Allele origin: germline.
Comment: This variant is classified as likely benign based on ACMG/AMP sequence variant interpretation guidelines (Richards et al. 2015 PMID: 25741868, with internal and published modifications).

Color Diagnostics, LLC DBA Color Health
Classification: Likely benign for Wilson disease. Last evaluated: 2025-06-03. Review status: criteria provided, single submitter. Criteria: ACMG Guidelines, 2015. Collection method: clinical testing. Allele origin: germline.

NC_000013.11:g.52011778G>T

Genes: ATP7B (ATPase copper transporting beta; minus strand), LOC130009838 (ATAC-STARR-seq lymphoblastoid silent region 5378; plus strand). Cytogenetic location: 13q14.3.
Variant type: single nucleotide variant.
Molecular consequence: 5 prime UTR variant (on NM_001406512.1). On other transcripts: intron variant (9).
Genome position: GRCh38 VCF-style: chr13-52011778-G-T. GRCh37 (hg19) VCF-style: chr13-52585914-G-T.
Other names: c.-176C>A (NM_001406512.1, NM_001406516.1, NM_001406522.1); c.-360C>A (NM_001406532.1); c.-55+242C>A (NM_001406541.1, NM_001406531.1, NM_001406527.1 and 4 more transcripts); c.-184+242C>A (NM_001406543.1); c.-238-203C>A (NM_001406528.1).
Identifiers: ClinVar variation 4756804 (VCV004756804.2).